The following is an entry in ClinVar:

NM_000535.7(PMS2):c.2445+3A>C

Gene: PMS2 (PMS1 homolog 2, mismatch repair system component; minus strand). Cytogenetic location: 7p22.1.
Variant type: single nucleotide variant.
Coding change: c.2445+3A>C on transcript NM_000535.7 (MANE Select); 3 bases into the intron after coding-DNA position 2445, A replaced by C.
Molecular consequence: intron variant.
Genome position (GRCh38, 1-based): chr7:5,977,585, T>G on the plus strand (A>C on the coding strand, the complement: PMS2 is on the minus strand). VCF-style: chr7-5977585-T-G. GRCh37 (hg19) VCF-style: chr7-6017216-T-G.
Other names: c.2127+3A>C (NM_001322008.2, NM_001406883.1, NM_001322007.2); c.2136+3A>C (NM_001406881.1, NM_001406879.1, NM_001322015.2 and 4 more transcripts); c.2040+3A>C (NM_001406895.1, NM_001322004.2, NM_001406889.1 and 11 more transcripts); c.1674+3A>C (NM_001406911.1); c.1884+3A>C (NM_001322010.2, NM_001406906.1, NM_001406907.1); c.1971+3A>C (NM_001406902.1, NM_001406901.1); c.1932+3A>C (NM_001406904.1, NM_001406905.1); c.1872+3A>C (NM_001322013.2, NM_001406908.1, NM_001406909.1); and 20 more.
Identifiers: ClinVar variation 4757021 (VCV004757021.1).
Genomic context (GRCh38, chr7:5,977,585, plus strand): 5'-CTGAGACCTTCCTCGACTGCAAGCTTGAGCAGCTGAGCTGACAGCCAGGCTTTCTTTACT[T>G]ACCGACTTCCGGCAGGCTCTGGAGGCAAACATCTGCTTGACTCGGGAAGGCCGGCACATG-3'

ClinVar aggregate classification (germline): Uncertain significance (1 of 4 stars; one submission).

Conditions:
Hereditary cancer-predisposing syndrome. Also called: Tumor predisposition; Hereditary Cancer Syndrome; Neoplastic Syndromes, Hereditary; Hereditary neoplastic syndrome. Identifiers: Orphanet 140162, MedGen C0027672, MeSH D009386, MONDO:0015356.

Submission:

Color Diagnostics, LLC DBA Color Health
Classification: Uncertain significance for Hereditary cancer-predisposing syndrome. Last evaluated: 2025-06-18. Review status: criteria provided, single submitter. Criteria: ACMG Guidelines, 2015. Collection method: clinical testing. Allele origin: germline.
Comment: This variant causes an A to C nucleotide substitution at the +3 position of intron 14 of the PMS2 gene. To our knowledge, functional studies have not been reported for this variant. This variant has not been reported in individuals affected with PMS2-related disorders in the literature. This variant has not been identified in the general population by the Genome Aggregation Database (gnomAD). The available evidence is insufficient to determine the role of this variant in disease conclusively. Therefore, this variant is classified as a Variant of Uncertain Significance.